The following is an entry in ClinVar:

ClinVar aggregate classification (germline): Uncertain significance (1 of 4 stars; one submission).

Submission:

GeneDx
Classification: Uncertain significance. Last evaluated: 2024-03-19. Review status: criteria provided, single submitter. Criteria: GeneDx Variant Classification Process June 2021. Collection method: clinical testing. Allele origin: germline. Affected: yes.
Comment: Has not been previously published as pathogenic or benign to our knowledge; Not observed at significant frequency in large population cohorts (gnomAD); Missense variants in this gene are a common cause of disease and they are underrepresented in the general population; In silico analysis supports that this missense variant has a deleterious effect on protein structure/function; This variant is associated with the following publications: (PMID: 29493581)

NM_005633.4(SOS1):c.914C>A (p.Pro305His)

Gene: SOS1 (SOS Ras/Rac guanine nucleotide exchange factor 1; minus strand). Cytogenetic location: 2p22.1.
Variant type: single nucleotide variant.
Coding change: c.914C>A on transcript NM_005633.4 (MANE Select); coding-DNA position 914, C replaced by A.
Protein change: p.Pro305His; replaces proline 305 with histidine.
Molecular consequence: missense variant.
Genome position (GRCh38, 1-based): chr2:39,035,451, G>T on the plus strand (C>A on the coding strand, the complement: SOS1 is on the minus strand). VCF-style: chr2-39035451-G-T. GRCh37 (hg19) VCF-style: chr2-39262592-G-T.
Other names: c.893C>A, p.Pro298His (NM_001382394.1); c.914C>A, p.Pro305His (NM_001382395.1); short protein forms P298H, P305H.
Identifiers: ClinVar variation 3371157 (VCV003371157.1).